The following is an entry in ClinVar:

NM_133636.5(HELQ):c.704T>C (p.Leu235Pro)

Gene: HELQ (helicase, POLQ like; minus strand). Cytogenetic location: 4q21.23.
Variant type: single nucleotide variant.
Coding change: c.704T>C on transcript NM_133636.5 (MANE Select); coding-DNA position 704, T replaced by C.
Protein change: p.Leu235Pro; replaces leucine 235 with proline.
Molecular consequence: missense variant. On other transcripts: 5 prime UTR variant (2), non-coding transcript variant (1).
Genome position (GRCh38, 1-based): chr4:83,453,539, A>G on the plus strand (T>C on the coding strand, the complement: HELQ is on the minus strand). VCF-style: chr4-83453539-A-G. GRCh37 (hg19) VCF-style: chr4-84374692-A-G.
Other names: c.704T>C, p.Leu235Pro (NM_001297755.2, NM_001297759.2); c.-801T>C (NM_001297756.2); c.-831T>C (NM_001297757.2); c.593T>C, p.Leu198Pro (NM_001297758.2); short protein forms L198P, L235P.
Identifiers: ClinVar variation 3056988 (VCV003056988.2), dbSNP rs17006837, ClinGen allele CA2989938.

ClinVar aggregate classification (germline): Benign (0 of 4 stars; one submission).

Conditions:
HELQ-related disorder. Also called: HELQ-related condition.

Allele frequency attached by ClinVar (database versions not stated): ExAC 0.04054; 1000 Genomes Project 0.13478; 1000 Genomes Project 30x 0.14288; ESP Exome Variant Server 0.14316.
gnomAD v4.1: 37,948 of 1,613,578 alleles (2.4%); highest among the groups gnomAD compares: African/African-American, 43%; 7,243 homozygotes.

Submission:

PreventionGenetics, part of Exact Sciences
Classification: Benign for HELQ-related condition. Last evaluated: 2020-01-02. Review status: no assertion criteria provided. Collection method: clinical testing. Allele origin: germline.
Comment: This variant is classified as benign based on ACMG/AMP sequence variant interpretation guidelines (Richards et al. 2015 PMID: 25741868, with internal and published modifications).